The following is an entry in ClinVar:

NM_000395.3(CSF2RB):c.2533G>A (p.Gly845Ser)

Gene: CSF2RB (colony stimulating factor 2 receptor subunit beta; plus strand). Cytogenetic location: 22q12.3.
Variant type: single nucleotide variant.
Coding change: c.2533G>A on transcript NM_000395.3 (MANE Select); coding-DNA position 2533, G replaced by A.
Protein change: p.Gly845Ser; replaces glycine 845 with serine.
Molecular consequence: missense variant.
Genome position (GRCh38, 1-based): chr22:36,938,341, G>A. VCF-style: chr22-36938341-G-A. GRCh37 (hg19) VCF-style: chr22-37334383-G-A.
Other names: c.2533G>A (NM_000395.2); short protein forms G845S.
Identifiers: ClinVar variation 1048656 (VCV001048656.8), dbSNP rs185150701, ClinGen allele CA10214152.

ClinVar aggregate classification (germline): Uncertain significance. Review status: criteria provided, multiple submitters, no conflicts (2 of 4 stars). 3 submissions from 3 submitters: Uncertain significance (3). Last evaluated 2025-07-22.

Conditions:
Inborn genetic diseases. Identifiers: MedGen C0950123, MeSH D030342.
Surfactant metabolism dysfunction, pulmonary, 5 (SMDP5). Also called: PULMONARY ALVEOLAR PROTEINOSIS 5; PAP DUE TO CSF2RB DEFICIENCY; CSF2RB DEFICIENCY. Identifiers: Orphanet 264675, MedGen C3280574, MONDO:0013712, OMIM 614370.

Allele frequency attached by ClinVar (database versions not stated): ExAC 0.00002; gnomAD 0.00004 and 0.00005; gnomAD exomes 0.00004 and 0.00006; 1000 Genomes Project 30x 0.00031; 1000 Genomes Project 0.00040.
gnomAD v4.1: 58 of 1,614,126 alleles (0.0036%); highest among the groups gnomAD compares: Middle Eastern, 0.12%; no homozygotes.

Submissions (3):

Labcorp Genetics (formerly Invitae), Labcorp
Classification: Uncertain significance. Last evaluated: 2025-07-22. Review status: criteria provided, single submitter. Criteria: Invitae Variant Classification Sherloc (09022015). Collection method: clinical testing. Allele origin: germline.
Comment: This sequence change replaces glycine, which is neutral and non-polar, with serine, which is neutral and polar, at codon 845 of the CSF2RB protein (p.Gly845Ser). This variant is present in population databases (rs185150701, gnomAD 0.02%). This variant has not been reported in the literature in individuals affected with CSF2RB-related conditions. ClinVar contains an entry for this variant (Variation ID: 1048656). Invitae Evidence Modeling of protein sequence and biophysical properties (such as structural, functional, and spatial information, amino acid conservation, physicochemical variation, residue mobility, and thermodynamic stability) indicates that this missense variant is not expected to disrupt CSF2RB protein function with a negative predictive value of 80%. In summary, the available evidence is currently insufficient to determine the role of this variant in disease. Therefore, it has been classified as a Variant of Uncertain Significance.

Ambry Genetics
Classification: Uncertain significance for Inborn genetic diseases. Last evaluated: 2021-09-27. Review status: criteria provided, single submitter. Criteria: Ambry Variant Classification Scheme 2023. Collection method: clinical testing. Allele origin: germline.

MVZ Martinsried, Medicover Genetics
Classification: Uncertain significance for Surfactant metabolism dysfunction, pulmonary, 5. Last evaluated: 2020-11-16. Review status: criteria provided, single submitter. Criteria: ACGS Guidelines, 2020. Collection method: clinical testing. Allele origin: unknown. Affected: yes.